The following is an entry in ClinVar:

NM_025150.5(TARS2):c.696-284A>G

Gene: TARS2 (threonyl-tRNA synthetase 2, mitochondrial; plus strand). Cytogenetic location: 1q21.2.
Variant type: single nucleotide variant.
Coding change: c.696-284A>G on transcript NM_025150.5 (MANE Select); 284 bases into the intron before coding-DNA position 696, A replaced by G.
Molecular consequence: intron variant.
Genome position (GRCh38, 1-based): chr1:150,492,127, A>G. VCF-style: chr1-150492127-A-G. GRCh37 (hg19) VCF-style: chr1-150464603-A-G.
Other names: c.696-284A>G (NM_001271895.2); c.630+616A>G (NM_001271896.2).
Identifiers: ClinVar variation 680805 (VCV000680805.2), dbSNP rs7549396, ClinGen allele CA10815308.

ClinVar aggregate classification (germline): Benign. Review status: criteria provided, multiple submitters, no conflicts (2 of 4 stars). 2 submissions from 2 submitters: Benign (2). Last evaluated 2018-06-14.

Allele frequency attached by ClinVar (database versions not stated): 1000 Genomes Project 0.71266; 1000 Genomes Project 30x 0.71955; gnomAD exomes 0.72284; TOPMed 0.74356; gnomAD 0.74961 and 0.75570.
gnomAD v4.1: 239,364 of 325,550 alleles (74%); highest among the groups gnomAD compares: African/African-American, 78%; 88,902 homozygotes.

Submissions (2):

GeneDx
Classification: Benign. Last evaluated: 2018-06-14. Review status: criteria provided, single submitter. Criteria: GeneDx Variant Classification (06012015). Collection method: clinical testing. Allele origin: germline. Affected: yes.
Comment: This variant is considered likely benign or benign based on one or more of the following criteria: it is a conservative change, it occurs at a poorly conserved position in the protein, it is predicted to be benign by multiple in silico algorithms, and/or has population frequency not consistent with disease.

Breakthrough Genomics
Classification: Benign. Review status: criteria provided, single submitter. Criteria: ACMG Guidelines, 2015. Collection method: not provided. Allele origin: germline. Inheritance: Autosomal recessive inheritance. Affected: yes.